The following is an entry in ClinVar:

NM_006371.5(CRTAP):c.*4623A>C

Gene: CRTAP (cartilage associated protein; plus strand). Cytogenetic location: 3p22.3.
Variant type: single nucleotide variant.
Coding change: c.*4623A>C on transcript NM_006371.5 (MANE Select); 4623 bases downstream of the stop codon, A replaced by C.
Molecular consequence: 3 prime UTR variant.
Genome position (GRCh38, 1-based): chr3:33,147,071, A>C. VCF-style: chr3-33147071-A-C. GRCh37 (hg19) VCF-style: chr3-33188563-A-C.
Other names: NC_000003.11:g.33188563A>C.
Identifiers: ClinVar variation 901676 (VCV000901676.5), dbSNP rs75873340, ClinGen allele CA72675082.

ClinVar aggregate classification (germline): Benign (1 of 4 stars; one submission).

Conditions:
Osteogenesis imperfecta type 7 (OI7). Also called: OSTEOGENESIS IMPERFECTA, TYPE IIB; Osteogenesis imperfecta type 2B; OI type 2B; Osteogenesis imperfecta, perinatal lethal autosomal recessive; OI type IIB; OI type 7. Identifiers: MedGen C1853162, MONDO:0012536, OMIM 610682.

Allele frequency attached by ClinVar (database versions not stated): 1000 Genomes Project 0.00699; 1000 Genomes Project 30x 0.00750; gnomAD 0.01746 and 0.01770; TOPMed 0.01899; gnomAD exomes 0.01940.
gnomAD v4.1: 2,661 of 152,780 alleles (1.7%); highest among the groups gnomAD compares: Non-Finnish European, 2.9%; 41 homozygotes.

Submissions (6):

Illumina Laboratory Services, Illumina
Classification: Benign for Osteogenesis imperfecta type 7. Last evaluated: 2018-01-12. Review status: criteria provided, single submitter. Criteria: ICSL Variant Classification Criteria 13 December 2019. Collection method: clinical testing. Allele origin: germline.
Comment: This variant was observed in the ICSL laboratory as part of a predisposition screen in an ostensibly healthy population. It had not been previously curated by ICSL or reported in the Human Gene Mutation Database (HGMD: prior to June 1st, 2018), and was therefore a candidate for classification through an automated scoring system. Utilizing variant allele frequency, disease prevalence and penetrance estimates, and inheritance mode, an automated score was calculated to assess if this variant is too frequent to cause the disease. Based on the score and internal cut-off values, a variant classified as benign is not then subjected to further curation. The score for this variant resulted in a classification of benign for this disease.

Dr. Peter K. Rogan Lab, Western University
No classification provided (evidence only). Condition: Sarcoma. Review status: no classification provided. Collection method: in vitro. Allele origin: not applicable. Functional consequence: retained intron. Not counted in ClinVar's aggregate classification.

Dr. Peter K. Rogan Lab, Western University
No classification provided (evidence only). Condition: Ovarian serous cystadenocarcinoma. Review status: no classification provided. Collection method: in vitro. Allele origin: not applicable. Functional consequence: retained intron. Not counted in ClinVar's aggregate classification.

Dr. Peter K. Rogan Lab, Western University
No classification provided (evidence only). Condition: Ovarian serous cystadenocarcinoma. Review status: no classification provided. Collection method: in vitro. Allele origin: not applicable. Functional consequence: retained intron. Not counted in ClinVar's aggregate classification.

Dr. Peter K. Rogan Lab, Western University
No classification provided (evidence only). Condition: Ovarian serous cystadenocarcinoma. Review status: no classification provided. Collection method: in vitro. Allele origin: not applicable. Functional consequence: retained intron. Not counted in ClinVar's aggregate classification.

Dr. Peter K. Rogan Lab, Western University
No classification provided (evidence only). Condition: Ovarian serous cystadenocarcinoma. Review status: no classification provided. Collection method: in vitro. Allele origin: not applicable. Functional consequence: retained intron. Not counted in ClinVar's aggregate classification.